The following is an entry in ClinVar:

ClinVar aggregate classification (germline): Uncertain significance (1 of 4 stars; one submission).

Conditions:
Amyotrophic lateral sclerosis type 15. Also called: AMYOTROPHIC LATERAL SCLEROSIS 15 WITH FRONTOTEMPORAL DEMENTIA. Identifiers: Orphanet 803, MedGen C3275459, MONDO:0010459, OMIM 300857.

Allele frequency attached by ClinVar (database versions not stated): TOPMed 0.00002.

Submission:

Labcorp Genetics (formerly Invitae), Labcorp
Classification: Uncertain significance for Amyotrophic lateral sclerosis 15, with or without frontotemporal dementia. Last evaluated: 2019-07-18. Review status: criteria provided, single submitter. Criteria: Invitae Variant Classification Sherloc (09022015). Collection method: clinical testing. Allele origin: germline.
Comment: This sequence change replaces valine with isoleucine at codon 354 of the UBQLN2 protein (p.Val354Ile). The valine residue is weakly conserved and there is a small physicochemical difference between valine and isoleucine. This variant is not present in population databases (ExAC no frequency). This variant has not been reported in the literature in individuals with UBQLN2-related conditions. Algorithms developed to predict the effect of missense changes on protein structure and function (SIFT, PolyPhen-2, Align-GVGD) all suggest that this variant is likely to be tolerated, but these predictions have not been confirmed by published functional studies and their clinical significance is uncertain. In summary, the available evidence is currently insufficient to determine the role of this variant in disease. Therefore, it has been classified as a Variant of Uncertain Significance.

NM_013444.4(UBQLN2):c.1060G>A (p.Val354Ile)

Gene: UBQLN2 (ubiquilin 2; plus strand). Cytogenetic location: Xp11.21.
Variant type: single nucleotide variant.
Coding change: c.1060G>A on transcript NM_013444.4 (MANE Select); coding-DNA position 1060, G replaced by A.
Protein change: p.Val354Ile; replaces valine 354 with isoleucine.
Molecular consequence: missense variant.
Genome position (GRCh38, 1-based): chrX:56,564,933, G>A. VCF-style: chrX-56564933-G-A. GRCh37 (hg19) VCF-style: chrX-56591366-G-A.
Other names: short protein forms V354I.
Identifiers: ClinVar variation 941347 (VCV000941347.1), dbSNP rs748840115, ClinGen allele CA330041877.